The following is an entry in ClinVar:

ClinVar aggregate classification (germline): Likely pathogenic (1 of 4 stars; one submission).

Conditions:
Propionic acidemia (PROP). Also called: GLYCINEMIA, KETOTIC; HYPERGLYCINEMIA WITH KETOACIDOSIS AND LEUKOPENIA; KETOTIC HYPERGLYCINEMIA. Identifiers: Orphanet 35, MedGen C0268579, MONDO:0011628, OMIM 606054, HP:0003571.

gnomAD v4.1: 1 of 1,611,396 alleles (0.000062%); highest among the groups gnomAD compares: Non-Finnish European, 0.000085%; no homozygotes.

Submission:

Labcorp Genetics (formerly Invitae), Labcorp
Classification: Likely pathogenic for Propionic acidemia. Last evaluated: 2023-10-05. Review status: criteria provided, single submitter. Criteria: Invitae Variant Classification Sherloc (09022015). Collection method: clinical testing. Allele origin: germline.
Comment: This sequence change replaces glycine, which is neutral and non-polar, with cysteine, which is neutral and slightly polar, at codon 245 of the PCCB protein (p.Gly245Cys). This variant is not present in population databases (gnomAD no frequency). This variant has not been reported in the literature in individuals affected with PCCB-related conditions. Advanced modeling of protein sequence and biophysical properties (such as structural, functional, and spatial information, amino acid conservation, physicochemical variation, residue mobility, and thermodynamic stability) performed at Invitae indicates that this missense variant is expected to disrupt PCCB protein function. This variant disrupts the p.Gly245 amino acid residue in PCCB. Other variant(s) that disrupt this residue have been determined to be pathogenic (PMID: 33028371). This suggests that this residue is clinically significant, and that variants that disrupt this residue are likely to be disease-causing. In summary, the currently available evidence indicates that the variant is pathogenic, but additional data are needed to prove that conclusively. Therefore, this variant has been classified as Likely Pathogenic.

Literature cited by the submitters: PubMed 33028371.

NM_000532.5(PCCB):c.733G>T (p.Gly245Cys)

Gene: PCCB (propionyl-CoA carboxylase subunit beta; plus strand). Cytogenetic location: 3q22.3.
Variant type: single nucleotide variant.
Coding change: c.733G>T on transcript NM_000532.5 (MANE Select); coding-DNA position 733, G replaced by T.
Protein change: p.Gly245Cys; replaces glycine 245 with cysteine.
Molecular consequence: missense variant.
Genome position (GRCh38, 1-based): chr3:136,293,834, G>T. VCF-style: chr3-136293834-G-T. GRCh37 (hg19) VCF-style: chr3-136012676-G-T.
Other names: c.793G>T, p.Gly265Cys (NM_001178014.2); short protein forms G265C, G245C.
Identifiers: ClinVar variation 2765782 (VCV002765782.3), dbSNP rs756414710, ClinGen allele CA354643680.
Genomic context (GRCh38, chr3:136,293,834, plus strand): 5'-ATCACTGGCCCTGATGTTGTGAAGTCTGTCACCAATGAGGATGTTACCCAGGAGGAGCTC[G>T]GTGGTGCCAAGACCCACACCACCATGTCAGGTGAGAGGCCTTGAAGATGACCTTGTTGTT-3'
Protein context (NP_000523.2, residues 235-255): TNEDVTQEEL[Gly245Cys]GAKTHTTMSG